The following is an entry in ClinVar:

NM_032217.5(ANKRD17):c.6284G>A (p.Ser2095Asn)

Gene: ANKRD17 (ankyrin repeat domain 17; minus strand). Cytogenetic location: 4q13.3.
Variant type: single nucleotide variant.
Coding change: c.6284G>A on transcript NM_032217.5 (MANE Select); coding-DNA position 6284, G replaced by A.
Protein change: p.Ser2095Asn; replaces serine 2095 with asparagine.
Molecular consequence: missense variant.
Genome position (GRCh38, 1-based): chr4:73,091,344, C>T on the plus strand (G>A on the coding strand, the complement: ANKRD17 is on the minus strand). VCF-style: chr4-73091344-C-T. GRCh37 (hg19) VCF-style: chr4-73957061-C-T.
Other names: c.5945G>A, p.Ser1982Asn (NM_001286771.3); c.6281G>A, p.Ser2094Asn (NM_015574.2); c.5531G>A, p.Ser1844Asn (NM_198889.3); short protein forms S1844N, S1982N, S2094N, S2095N.
Identifiers: ClinVar variation 3375686 (VCV003375686.1).
Genomic context (GRCh38, chr4:73,091,344, plus strand): 5'-ACAGATCCCGGAGGTTGTTGCTGATTAGAATGAGCTGATGAACTCCCAGAAGAACTGCTG[C>T]TGTTTGGAGGTCTAGTGTTTGTTGTTTCTACTACTGGTGGACTACCTGCTTCCTGTTCGG-3'
Protein context (NP_115593.3, residues 2085-2105): VETTNTRPPN[Ser2095Asn]SSSSGSSSAH

ClinVar aggregate classification (germline): Uncertain significance (1 of 4 stars; one submission).

Submission:

GeneDx
Classification: Uncertain significance. Last evaluated: 2024-05-09. Review status: criteria provided, single submitter. Criteria: GeneDx Variant Classification Process June 2021. Collection method: clinical testing. Allele origin: germline. Affected: yes.
Comment: Not observed at significant frequency in large population cohorts (gnomAD); In silico analysis indicates that this missense variant does not alter protein structure/function; Has not been previously published as pathogenic or benign to our knowledge